The following is an entry in ClinVar:

NM_000230.3(LEP):c.234A>G (p.Thr78=)

Gene: LEP (leptin; plus strand). Cytogenetic location: 7q32.1.
Variant type: single nucleotide variant.
Coding change: c.234A>G on transcript NM_000230.3 (MANE Select); coding-DNA position 234, A replaced by G.
Protein change: p.Thr78=; no amino-acid change (threonine 78 retained).
Molecular consequence: synonymous variant.
Genome position (GRCh38, 1-based): chr7:128,254,493, A>G. VCF-style: chr7-128254493-A-G. GRCh37 (hg19) VCF-style: chr7-127894546-A-G.
Identifiers: ClinVar variation 3349375 (VCV003349375.1).

ClinVar aggregate classification (germline): Likely benign (0 of 4 stars; one submission).

Conditions:
LEP-related disorder. Also called: LEP-related condition.

gnomAD v4.1: 10 of 1,614,038 alleles (0.00062%); highest among the groups gnomAD compares: East Asian, 0.0022%; no homozygotes.

Submission:

PreventionGenetics, part of Exact Sciences
Classification: Likely benign for LEP-related condition. Last evaluated: 2024-01-31. Review status: no assertion criteria provided. Collection method: clinical testing. Allele origin: germline.
Comment: This variant is classified as likely benign based on ACMG/AMP sequence variant interpretation guidelines (Richards et al. 2015 PMID: 25741868, with internal and published modifications).